The following is an entry in ClinVar:

NC_000002.11:g.(?_215645274)_(215657179_?)dup

Gene: BARD1 (BRCA1 associated RING domain 1; minus strand). Cytogenetic location: 2q35.
Variant type: Duplication.
Identifiers: ClinVar variation 2423128 (VCV002423128.4).

ClinVar aggregate classification (germline): Likely pathogenic (1 of 4 stars; one submission).

Conditions:
Familial cancer of breast. Also called: Hereditary breast cancer; hereditary breast carcinoma; BREAST CANCER, FAMILIAL. Identifiers: Orphanet 227535, MedGen C0346153, MONDO:0016419, OMIM 114480. Disease mechanism: loss of function.

Submission:

Labcorp Genetics (formerly Invitae), Labcorp
Classification: Likely pathogenic for Familial cancer of breast. Last evaluated: 2022-06-27. Review status: criteria provided, single submitter. Criteria: Invitae Variant Classification Sherloc (09022015). Collection method: clinical testing. Allele origin: germline.
Comment: In summary, the currently available evidence indicates that the variant is pathogenic, but additional data are needed to prove that conclusively. Therefore, this variant has been classified as Likely Pathogenic. This variant has not been reported in the literature in individuals affected with BARD1-related conditions. This variant results in a copy number gain of the genomic region encompassing exon(s) 3-4 of the BARD1 gene. While the exact position of this variant cannot be determined from the data, sub-genic copy number gains are generally in tandem (PMID: 25640679). This variant is predicted to be out-of-frame, and may result in an absent or disrupted protein product. Loss-of-function variants in BARD1 are known to be pathogenic (PMID: 20077502, 21344236).

Literature cited by the submitters: PubMed 25640679; PubMed 20077502; PubMed 21344236.